The following is an entry in ClinVar:

NM_001430.5(EPAS1):c.1803C>G (p.His601Gln)

Gene: EPAS1 (endothelial PAS domain protein 1; plus strand). Cytogenetic location: 2p21.
Variant type: single nucleotide variant.
Coding change: c.1803C>G on transcript NM_001430.5 (MANE Select); coding-DNA position 1803, C replaced by G.
Protein change: p.His601Gln; replaces histidine 601 with glutamine.
Molecular consequence: missense variant.
Genome position (GRCh38, 1-based): chr2:46,380,475, C>G. VCF-style: chr2-46380475-C-G. GRCh37 (hg19) VCF-style: chr2-46607614-C-G.
Other names: short protein forms H601Q.
Identifiers: ClinVar variation 3508986 (VCV003508986.1).

ClinVar aggregate classification (germline): Uncertain significance (1 of 4 stars; one submission).

Conditions:
Inborn genetic diseases. Identifiers: MedGen C0950123, MeSH D030342.

Submission:

Ambry Genetics
Classification: Uncertain significance for Inborn genetic diseases. Last evaluated: 2024-09-18. Review status: criteria provided, single submitter. Criteria: Ambry Variant Classification Scheme 2023. Collection method: clinical testing. Allele origin: germline.
Comment: The p.H601Q variant (also known as c.1803C>G), located in coding exon 12 of the EPAS1 gene, results from a C to G substitution at nucleotide position 1803. The histidine at codon 601 is replaced by glutamine, an amino acid with highly similar properties. This amino acid position is conserved. In addition, this alteration is predicted to be tolerated by in silico analysis. Based on the available evidence, the clinical significance of this variant remains unclear.